The following is an entry in ClinVar:

NM_021620.4(PRDM13):c.1012C>A (p.Arg338Ser)

Genes: PRDM13 (PR/SET domain 13; plus strand), LOC129996881 (ATAC-STARR-seq lymphoblastoid silent region 17422; plus strand). Cytogenetic location: 6q16.2.
Variant type: single nucleotide variant.
Coding change: c.1012C>A on transcript NM_021620.4 (MANE Select); coding-DNA position 1012, C replaced by A.
Protein change: p.Arg338Ser; replaces arginine 338 with serine.
Molecular consequence: missense variant.
Genome position (GRCh38, 1-based): chr6:99,613,647, C>A. VCF-style: chr6-99613647-C-A. GRCh37 (hg19) VCF-style: chr6-100061523-C-A.
Other names: short protein forms R338S.
Identifiers: ClinVar variation 2081040 (VCV002081040.4), dbSNP rs1316332637, ClinGen allele CA365117499.

ClinVar aggregate classification (germline): Uncertain significance (1 of 4 stars; one submission).

gnomAD v4.1: 1 of 1,431,380 alleles (0.00007%); highest among the groups gnomAD compares: Non-Finnish European, 0.00009%; no homozygotes.

Submission:

Labcorp Genetics (formerly Invitae), Labcorp
Classification: Uncertain significance. Last evaluated: 2022-07-04. Review status: criteria provided, single submitter. Criteria: Invitae Variant Classification Sherloc (09022015). Collection method: clinical testing. Allele origin: germline.
Comment: This sequence change replaces arginine, which is basic and polar, with serine, which is neutral and polar, at codon 338 of the PRDM13 protein (p.Arg338Ser). In summary, the available evidence is currently insufficient to determine the role of this variant in disease. Therefore, it has been classified as a Variant of Uncertain Significance. Algorithms developed to predict the effect of missense changes on protein structure and function are either unavailable or do not agree on the potential impact of this missense change (SIFT: "Deleterious"; PolyPhen-2: "Benign"; Align-GVGD: "Class C35"). This variant has not been reported in the literature in individuals affected with PRDM13-related conditions. This variant is not present in population databases (gnomAD no frequency).